The following is an entry in ClinVar:

NM_004364.5(CEBPA):c.1066A>T (p.Asn356Tyr)

Gene: CEBPA (CCAAT enhancer binding protein alpha; minus strand). Cytogenetic location: 19q13.11.
Variant type: single nucleotide variant.
Coding change: c.1066A>T on transcript NM_004364.5 (MANE Select); coding-DNA position 1066, A replaced by T.
Protein change: p.Asn356Tyr; replaces asparagine 356 with tyrosine.
Molecular consequence: missense variant.
Genome position (GRCh38, 1-based): chr19:33,301,349, T>A on the plus strand (A>T on the coding strand, the complement: CEBPA is on the minus strand). VCF-style: chr19-33301349-T-A. GRCh37 (hg19) VCF-style: chr19-33792255-T-A.
Other names: c.709A>T, p.Asn237Tyr (NM_001285829.2); c.1171A>T, p.Asn391Tyr (NM_001287424.2); c.1024A>T, p.Asn342Tyr (NM_001287435.2); c.1066A>T (NM_004364.3); short protein forms N356Y, N391Y, N237Y, N342Y.
Identifiers: ClinVar variation 1470550 (VCV001470550.10), dbSNP rs543441756, ClinGen allele CA9363652.

ClinVar aggregate classification (germline): Conflicting classifications of pathogenicity. Review status: criteria provided, conflicting classifications (1 of 4 stars). 3 submissions from 3 submitters: Uncertain significance (2); Likely benign (1). Last evaluated 2024-08-21.

Conditions:
Acute myeloid leukemia (AML). Also called: Leukemia, acute myeloid, somatic; Leukemia, acute myelogenous, somatic; Acute myeloid leukemia, adult; AML adult; Acute non-lymphocytic leukemia; Acute granulocytic leukemia. Identifiers: Orphanet 519, MedGen C0023467, MeSH D015470, MONDO:0018874, OMIM 601626, HP:0004808. Disease mechanism: Constitutively activated FLT3.
Inborn genetic diseases. Identifiers: MedGen C0950123, MeSH D030342.

Allele frequency attached by ClinVar (database versions not stated): gnomAD exomes below 0.00001; gnomAD 0.00001; ExAC 0.00002; 1000 Genomes Project 30x 0.00016; 1000 Genomes Project 0.00020.

Submissions (3):

Ambry Genetics
Classification: Likely benign for Inborn genetic diseases. Last evaluated: 2024-08-21. Review status: criteria provided, single submitter. Criteria: Ambry Variant Classification Scheme 2023. Collection method: clinical testing. Allele origin: germline.

Labcorp Genetics (formerly Invitae), Labcorp
Classification: Uncertain significance for Acute myeloid leukemia. Last evaluated: 2024-04-24. Review status: criteria provided, single submitter. Criteria: Invitae Variant Classification Sherloc (09022015). Collection method: clinical testing. Allele origin: germline.
Comment: This sequence change replaces asparagine, which is neutral and polar, with tyrosine, which is neutral and polar, at codon 356 of the CEBPA protein (p.Asn356Tyr). The frequency data for this variant in the population databases is considered unreliable, as metrics indicate poor data quality at this position in the gnomAD database. This variant has not been reported in the literature in individuals affected with CEBPA-related conditions. ClinVar contains an entry for this variant (Variation ID: 1470550). An algorithm developed to predict the effect of missense changes on protein structure and function (PolyPhen-2) suggests that this variant is likely to be disruptive. In summary, the available evidence is currently insufficient to determine the role of this variant in disease. Therefore, it has been classified as a Variant of Uncertain Significance.

GeneDx
Classification: Uncertain significance. Last evaluated: 2024-03-21. Review status: criteria provided, single submitter. Criteria: GeneDx Variant Classification Process June 2021. Collection method: clinical testing. Allele origin: germline. Affected: yes.
Comment: Not observed at significant frequency in large population cohorts (gnomAD); In silico analysis supports that this missense variant has a deleterious effect on protein structure/function; Has not been previously published as pathogenic or benign to our knowledge; This variant is associated with the following publications: (PMID: 21455213)